The following is an entry in ClinVar:

ClinVar aggregate classification (germline): Uncertain significance (1 of 4 stars; one submission).

Conditions:
Hereditary cancer-predisposing syndrome. Also called: Neoplastic Syndromes, Hereditary; Tumor predisposition; Hereditary neoplastic syndrome; Hereditary Cancer Syndrome. Identifiers: Orphanet 140162, MedGen C0027672, MeSH D009386, MONDO:0015356.

Submission:

Ambry Genetics
Classification: Uncertain significance for Hereditary cancer-predisposing syndrome. Last evaluated: 2023-02-15. Review status: criteria provided, single submitter. Criteria: Ambry Variant Classification Scheme 2023. Collection method: clinical testing. Allele origin: germline.
Comment: The p.S119P variant (also known as c.355T>C), located in coding exon 4 of the POT1 gene, results from a T to C substitution at nucleotide position 355. The serine at codon 119 is replaced by proline, an amino acid with similar properties. This amino acid position is conserved. In addition, the in silico prediction for this alteration is inconclusive. Since supporting evidence is limited at this time, the clinical significance of this alteration remains unclear.

NM_015450.3(POT1):c.355T>C (p.Ser119Pro)

Gene: POT1 (protection of telomeres 1; minus strand). Cytogenetic location: 7q31.33.
Variant type: single nucleotide variant.
Coding change: c.355T>C on transcript NM_015450.3 (MANE Select); coding-DNA position 355, T replaced by C.
Protein change: p.Ser119Pro; replaces serine 119 with proline.
Molecular consequence: missense variant. On other transcripts: 5 prime UTR variant (1), non-coding transcript variant (3).
Genome position (GRCh38, 1-based): chr7:124,863,541, A>G on the plus strand (T>C on the coding strand, the complement: POT1 is on the minus strand). VCF-style: chr7-124863541-A-G. GRCh37 (hg19) VCF-style: chr7-124503595-A-G.
Other names: c.-39T>C (NM_001042594.2); short protein forms S119P.
Identifiers: ClinVar variation 2450559 (VCV002450559.2), dbSNP rs2485480850, ClinGen allele CA369059932.
Genomic context (GRCh38, chr7:124,863,541, plus strand): 5'-AAACACGTAAGGCTTCTACCATTTTGTGGTCCTCAGTAGTGAAGTTAAAATACTTGCTTG[A>G]AGTGCGAGGTATGATAGGGGCTCCCAAAGTTCCCTCAAACGTCAAAGATGCAAAGCCAGA-3'
Protein context (NP_056265.2, residues 109-129): TLGAPIIPRT[Ser119Pro]SKYFNFTTED